The following is an entry in ClinVar:

NM_003289.4(TPM2):c.563+1G>T

Gene: TPM2 (tropomyosin 2; minus strand). Cytogenetic location: 9p13.3.
Variant type: single nucleotide variant.
Coding change: c.563+1G>T on transcript NM_003289.4 (MANE Select); the canonical splice donor site of the intron after coding-DNA position 563, G replaced by T.
Molecular consequence: splice donor variant.
Genome position (GRCh38, 1-based): chr9:35,685,268, C>A on the plus strand (G>T on the coding strand, the complement: TPM2 is on the minus strand). VCF-style: chr9-35685268-C-A. GRCh37 (hg19) VCF-style: chr9-35685265-C-A.
Other names: c.563+1G>T (NM_213674.1, NM_001301226.2, NM_001301227.2).
Identifiers: ClinVar variation 4734141 (VCV004734141.1).

ClinVar aggregate classification (germline): Likely pathogenic (1 of 4 stars; one submission).

Conditions:
Arthrogryposis, distal, type 1A. Also called: ARTHROGRYPOSIS MULTIPLEX CONGENITA, DISTAL, TYPE I. Identifiers: Orphanet 1146, MedGen C6022280, MONDO:0007157, OMIM 108120.

Submission:

Labcorp Genetics (formerly Invitae), Labcorp
Classification: Likely pathogenic for Arthrogryposis, distal, type 1A. Last evaluated: 2025-12-25. Review status: criteria provided, single submitter. Criteria: Invitae Variant Classification Sherloc (09022015). Collection method: clinical testing. Allele origin: germline.
Comment: This sequence change affects a donor splice site in intron 5 of the TPM2 gene. It is expected to disrupt RNA splicing. Variants that disrupt the donor or acceptor splice site typically lead to a loss of protein function (PMID: 16199547), and loss-of-function variants in TPM2 are known to be pathogenic (PMID: 19155175, 27726070). This variant is not present in population databases (gnomAD no frequency). This variant has not been reported in the literature in individuals affected with TPM2-related conditions. Algorithms developed to predict the effect of sequence changes on RNA splicing suggest that this variant may disrupt the consensus splice site. In summary, the currently available evidence indicates that the variant is pathogenic, but additional data are needed to prove that conclusively. Therefore, this variant has been classified as Likely Pathogenic.

Literature cited by the submitters: PubMed 16199547; PubMed 19155175; PubMed 27726070.